The following is an entry in ClinVar:

ClinVar aggregate classification (germline): Uncertain significance (1 of 4 stars; one submission).

Allele frequency attached by ClinVar (database versions not stated): gnomAD exomes 0.00002 and 0.00004; ExAC 0.00004; TOPMed 0.00004; ESP Exome Variant Server 0.00015.
gnomAD v4.1: 56 of 1,611,470 alleles (0.0035%); highest among the groups gnomAD compares: Non-Finnish European, 0.0042%; no homozygotes.

Submission:

Labcorp Genetics (formerly Invitae), Labcorp
Classification: Uncertain significance. Last evaluated: 2023-12-11. Review status: criteria provided, single submitter. Criteria: Invitae Variant Classification Sherloc (09022015). Collection method: clinical testing. Allele origin: germline.
Comment: This sequence change replaces arginine, which is basic and polar, with tryptophan, which is neutral and slightly polar, at codon 535 of the FERMT1 protein (p.Arg535Trp). The frequency data for this variant in the population databases is considered unreliable, as metrics indicate poor data quality at this position in the gnomAD database. This variant has not been reported in the literature in individuals affected with FERMT1-related conditions. ClinVar contains an entry for this variant (Variation ID: 1423919). Advanced modeling of protein sequence and biophysical properties (such as structural, functional, and spatial information, amino acid conservation, physicochemical variation, residue mobility, and thermodynamic stability) performed at Invitae indicates that this missense variant is expected to disrupt FERMT1 protein function with a positive predictive value of 80%. In summary, the available evidence is currently insufficient to determine the role of this variant in disease. Therefore, it has been classified as a Variant of Uncertain Significance.

NM_017671.5(FERMT1):c.1603C>T (p.Arg535Trp)

Gene: FERMT1 (FERM domain containing kindlin 1; minus strand). Cytogenetic location: 20p12.3.
Variant type: single nucleotide variant.
Coding change: c.1603C>T on transcript NM_017671.5 (MANE Select); coding-DNA position 1603, C replaced by T.
Protein change: p.Arg535Trp; replaces arginine 535 with tryptophan.
Molecular consequence: missense variant.
Genome position (GRCh38, 1-based): chr20:6,084,155, G>A on the plus strand (C>T on the coding strand, the complement: FERMT1 is on the minus strand). VCF-style: chr20-6084155-G-A. GRCh37 (hg19) VCF-style: chr20-6064802-G-A.
Other names: short protein forms R535W.
Identifiers: ClinVar variation 1423919 (VCV001423919.6), dbSNP rs143876620, ClinGen allele CA9758081.
Genomic context (GRCh38, chr20:6,084,155, plus strand): 5'-ACCGCAGCTTGGCTTCGACCAGGGGCATCTGGGCCACGTTCTGGTGCGCCTCCAGGATCC[G>A]GGCGGCCAGCTGAACAGAAACAGACATCAACCTCTCTTCACATGCACCGGCTGCTCTGTG-3'
Protein context (NP_060141.3, residues 525-545): KRHKSKQLAA[Arg535Trp]ILEAHQNVAQ